The following is an entry in ClinVar:

ClinVar aggregate classification (germline): Uncertain significance. Review status: criteria provided, multiple submitters, no conflicts (2 of 4 stars). 3 submissions from 3 submitters: Uncertain significance (3). Last evaluated 2024-12-26.

Conditions:
Hereditary hyperekplexia. Identifiers: Orphanet 3197, MedGen C4084968, MONDO:0021022.
Inborn genetic diseases. Identifiers: MedGen C0950123, MeSH D030342.

Allele frequency attached by ClinVar (database versions not stated): gnomAD exomes 0.00001 and 0.00003; TOPMed 0.00001; ExAC 0.00003; gnomAD 0.00004.
gnomAD v4.1: 24 of 1,613,136 alleles (0.0015%); highest among the groups gnomAD compares: Non-Finnish European, 0.00025%; no homozygotes.

Submissions (3):

Labcorp Genetics (formerly Invitae), Labcorp
Classification: Uncertain significance for Hereditary hyperekplexia. Last evaluated: 2024-12-26. Review status: criteria provided, single submitter. Criteria: Invitae Variant Classification Sherloc (09022015). Collection method: clinical testing. Allele origin: germline.
Comment: This sequence change replaces glutamic acid, which is acidic and polar, with glycine, which is neutral and non-polar, at codon 444 of the GLRA1 protein (p.Glu444Gly). This variant is present in population databases (rs752781486, gnomAD 0.06%). This variant has not been reported in the literature in individuals affected with GLRA1-related conditions. ClinVar contains an entry for this variant (Variation ID: 1357741). Invitae Evidence Modeling of protein sequence and biophysical properties (such as structural, functional, and spatial information, amino acid conservation, physicochemical variation, residue mobility, and thermodynamic stability) indicates that this missense variant is expected to disrupt GLRA1 protein function with a positive predictive value of 80%. In summary, the available evidence is currently insufficient to determine the role of this variant in disease. Therefore, it has been classified as a Variant of Uncertain Significance.

GeneDx
Classification: Uncertain significance. Last evaluated: 2024-12-03. Review status: criteria provided, single submitter. Criteria: GeneDx Variant Classification Process June 2021. Collection method: clinical testing. Allele origin: germline. Affected: yes.
Comment: In silico analysis supports that this missense variant has a deleterious effect on protein structure/function; Has not been previously published as pathogenic or benign to our knowledge

Ambry Genetics
Classification: Uncertain significance for Inborn genetic diseases. Last evaluated: 2024-10-26. Review status: criteria provided, single submitter. Criteria: Ambry Variant Classification Scheme 2023. Collection method: clinical testing. Allele origin: germline.

NM_000171.4(GLRA1):c.1331A>G (p.Glu444Gly)

Gene: GLRA1 (glycine receptor alpha 1; minus strand). Cytogenetic location: 5q33.1.
Variant type: single nucleotide variant.
Coding change: c.1331A>G on transcript NM_000171.4 (MANE Select); coding-DNA position 1331, A replaced by G.
Protein change: p.Glu444Gly; replaces glutamic acid 444 with glycine.
Molecular consequence: missense variant.
Genome position (GRCh38, 1-based): chr5:151,822,692, T>C on the plus strand (A>G on the coding strand, the complement: GLRA1 is on the minus strand). VCF-style: chr5-151822692-T-C. GRCh37 (hg19) VCF-style: chr5-151202253-T-C.
Other names: c.1331A>G (NM_000171.3); c.1355A>G, p.Glu452Gly (NM_001146040.2); c.1082A>G, p.Glu361Gly (NM_001292000.2); short protein forms E361G, E452G, E444G.
Identifiers: ClinVar variation 1357741 (VCV001357741.10), dbSNP rs752781486, ClinGen allele CA3523456.